The following is an entry in ClinVar:

NM_000264.5(PTCH1):c.3948C>T (p.Tyr1316=)

Gene: PTCH1 (patched 1; minus strand). Cytogenetic location: 9q22.32.
Variant type: single nucleotide variant.
Coding change: c.3948C>T on transcript NM_000264.5 (MANE Select); coding-DNA position 3948, C replaced by T.
Protein change: p.Tyr1316=; no amino-acid change (tyrosine 1316 retained).
Molecular consequence: synonymous variant. On other transcripts: non-coding transcript variant (1).
Genome position (GRCh38, 1-based): chr9:95,447,308, G>A on the plus strand (C>T on the coding strand, the complement: PTCH1 is on the minus strand). VCF-style: chr9-95447308-G-A. GRCh37 (hg19) VCF-style: chr9-98209590-G-A.
Other names: c.3750C>T, p.Tyr1250= (NM_001083602.3); c.3945C>T, p.Tyr1315= (NM_001083603.3); c.3495C>T, p.Tyr1165= (NM_001083604.3, NM_001083605.3, NM_001083606.3 and 1 more transcripts); c.3792C>T, p.Tyr1264= (NM_001354918.2).
Identifiers: ClinVar variation 237491 (VCV000237491.13), dbSNP rs778029634, ClinGen allele CA5137994.
Genomic context (GRCh38, chr9:95,447,308, plus strand): 5'-CCTATTGCTAGGGCCAGAATGCCCTTCAGTAGAAATTTCAAAAGCGTCTCTGCGCGGTCT[G>A]TAGGGGGGTGGCCACAAGCCTTCTCTGGGGGGGTCCCTGCGGGGCTGCTGGCCTTGCCGT-3'
Protein context (NP_000255.2, residues 1306-1326): PPREGLWPPP[Tyr1316=]RPRRDAFEIS

ClinVar aggregate classification (germline): Likely benign. Review status: criteria provided, multiple submitters, no conflicts (2 of 4 stars). 3 submissions from 3 submitters: Likely benign (3). Last evaluated 2026-06-26.

Conditions:
Hereditary cancer-predisposing syndrome. Also called: Neoplastic Syndromes, Hereditary; Hereditary neoplastic syndrome; Hereditary Cancer Syndrome; Tumor predisposition. Identifiers: Orphanet 140162, MedGen C0027672, MeSH D009386, MONDO:0015356.
Gorlin syndrome. Also called: Nevoid Basal Cell Carcinoma Syndrome; Basal cell nevus syndrome. Identifiers: Orphanet 377, MedGen C0004779, MONDO:0007187.
PTCH1-related disorder. Also called: PTCH1-related disorders; PTCH1-related condition.

Allele frequency attached by ClinVar (database versions not stated): ExAC 0.00001; gnomAD exomes 0.00001; gnomAD 0.00003 and 0.00004; TOPMed 0.00004.
gnomAD v4.1: 10 of 1,613,084 alleles (0.00062%); highest among the groups gnomAD compares: African/African-American, 0.012%; no homozygotes.

Submissions (3):

PreventionGenetics, part of Exact Sciences
Classification: Likely benign for PTCH1-related condition. Last evaluated: 2026-06-26. Review status: criteria provided, single submitter. Criteria: ACMG Guidelines, 2015. Collection method: clinical testing. Allele origin: germline.
Comment: This variant is classified as likely benign based on ACMG/AMP sequence variant interpretation guidelines (Richards et al. 2015 PMID: 25741868, with internal and published modifications).

Labcorp Genetics (formerly Invitae), Labcorp
Classification: Likely benign for Gorlin syndrome. Last evaluated: 2025-11-05. Review status: criteria provided, single submitter. Criteria: Invitae Variant Classification Sherloc (09022015). Collection method: clinical testing. Allele origin: germline.

Ambry Genetics
Classification: Likely benign for Hereditary cancer-predisposing syndrome. Last evaluated: 2020-03-03. Review status: criteria provided, single submitter. Criteria: Ambry Variant Classification Scheme 2023. Collection method: clinical testing. Allele origin: germline.